The following is an entry in ClinVar:

NM_024675.4(PALB2):c.1396T>C (p.Ser466Pro)

Gene: PALB2 (partner and localizer of BRCA2; minus strand). Cytogenetic location: 16p12.2.
Variant type: single nucleotide variant.
Coding change: c.1396T>C on transcript NM_024675.4 (MANE Select); coding-DNA position 1396, T replaced by C.
Protein change: p.Ser466Pro; replaces serine 466 with proline.
Molecular consequence: missense variant. On other transcripts: intron variant (3).
Genome position (GRCh38, 1-based): chr16:23,635,150, A>G on the plus strand (T>C on the coding strand, the complement: PALB2 is on the minus strand). VCF-style: chr16-23635150-A-G. GRCh37 (hg19) VCF-style: chr16-23646471-A-G.
Other names: c.1336T>C, p.Ser446Pro (NM_001407296.1); c.1396T>C, p.Ser466Pro (NM_001407297.1, NM_001407298.1, NM_001407299.1 and 3 more transcripts); c.511T>C, p.Ser171Pro (NM_001407304.1, NM_001407305.1, NM_001407306.1 and 5 more transcripts); c.49-5875T>C (NM_001407314.1); c.-104-4681T>C (NM_001407313.1, NM_001407312.1); short protein forms S171P, S466P, S446P.
Identifiers: ClinVar variation 2567560 (VCV002567560.3), dbSNP rs1966971889, ClinGen allele CA395131353.

ClinVar aggregate classification (germline): Uncertain significance. Review status: criteria provided, multiple submitters, no conflicts (2 of 4 stars). 2 submissions from 2 submitters: Uncertain significance (2). Last evaluated 2025-08-04.

Conditions:
Hereditary cancer-predisposing syndrome. Also called: Hereditary neoplastic syndrome; Hereditary Cancer Syndrome; Neoplastic Syndromes, Hereditary; Tumor predisposition. Identifiers: Orphanet 140162, MedGen C0027672, MeSH D009386, MONDO:0015356.
Familial cancer of breast. Also called: hereditary breast carcinoma; Hereditary breast cancer; BREAST CANCER, FAMILIAL. Identifiers: Orphanet 227535, MedGen C0346153, MONDO:0016419, OMIM 114480. Disease mechanism: loss of function.

Submissions (2):

Labcorp Genetics (formerly Invitae), Labcorp
Classification: Uncertain significance for Familial cancer of breast. Last evaluated: 2025-08-04. Review status: criteria provided, single submitter. Criteria: Invitae Variant Classification Sherloc (09022015). Collection method: clinical testing. Allele origin: germline.
Comment: This sequence change replaces serine, which is neutral and polar, with proline, which is neutral and non-polar, at codon 466 of the PALB2 protein (p.Ser466Pro). This variant is not present in population databases (gnomAD no frequency). This variant has not been reported in the literature in individuals affected with PALB2-related conditions. ClinVar contains an entry for this variant (Variation ID: 2567560). Invitae Evidence Modeling of protein sequence and biophysical properties (such as structural, functional, and spatial information, amino acid conservation, physicochemical variation, residue mobility, and thermodynamic stability) indicates that this missense variant is not expected to disrupt PALB2 protein function with a negative predictive value of 80%. In summary, the available evidence is currently insufficient to determine the role of this variant in disease. Therefore, it has been classified as a Variant of Uncertain Significance.

Ambry Genetics
Classification: Uncertain significance for Hereditary cancer-predisposing syndrome. Last evaluated: 2023-04-01. Review status: criteria provided, single submitter. Criteria: Ambry Variant Classification Scheme 2023. Collection method: clinical testing. Allele origin: germline.
Comment: The p.S466P variant (also known as c.1396T>C), located in coding exon 4 of the PALB2 gene, results from a T to C substitution at nucleotide position 1396. The serine at codon 466 is replaced by proline, an amino acid with similar properties. This amino acid position is conserved. In addition, this alteration is predicted to be tolerated by in silico analysis. Since supporting evidence is limited at this time, the clinical significance of this alteration remains unclear.